The following is an entry in ClinVar:

NM_001379081.2(FREM1):c.4639G>T (p.Val1547Phe)

Gene: FREM1 (FRAS1 related extracellular matrix 1; minus strand). Cytogenetic location: 9p22.3.
Variant type: single nucleotide variant.
Coding change: c.4639G>T on transcript NM_001379081.2 (MANE Select); coding-DNA position 4639, G replaced by T.
Protein change: p.Val1547Phe; replaces valine 1547 with phenylalanine.
Molecular consequence: missense variant. On other transcripts: non-coding transcript variant (2).
Genome position (GRCh38, 1-based): chr9:14,776,007, C>A on the plus strand (G>T on the coding strand, the complement: FREM1 is on the minus strand). VCF-style: chr9-14776007-C-A. GRCh37 (hg19) VCF-style: chr9-14776005-C-A.
Other names: c.247G>T, p.Val83Phe (NM_001177704.3, NM_001370058.2, NM_001370061.2); c.4639G>T, p.Val1547Phe (NM_144966.7); short protein forms V83F, V1547F.
Identifiers: ClinVar variation 1810527 (VCV001810527.1), dbSNP rs748462601, ClinGen allele CA4990108.
Genomic context (GRCh38, chr9:14,776,007, plus strand): 5'-AATTGTGTTGAAGTAGCCCTGTCCCCCACAGGTAGAGCTGGCCATGCTGGGGGAGCTGAA[C>A]CAAGAGGAAGGTGAGGTTCTCCGCAGGTGTATCAGGGTCGGTCAGCTGAAGGAGGTCAGG-3'
Protein context (NP_001366010.1, residues 1537-1557): TPAENLTFLL[Val1547Phe]QLPQHGQLYL

ClinVar aggregate classification (germline): Uncertain significance (1 of 4 stars; one submission).

Allele frequency attached by ClinVar (database versions not stated): ExAC 0.00001.
gnomAD v4.1: 10 of 1,613,982 alleles (0.00062%); highest among the groups gnomAD compares: South Asian, 0.011%; no homozygotes.

Submission:

GeneDx
Classification: Uncertain significance. Last evaluated: 2022-07-07. Review status: criteria provided, single submitter. Criteria: GeneDx Variant Classification Process June 2021. Collection method: clinical testing. Allele origin: germline. Affected: yes.
Comment: In silico analysis supports that this missense variant does not alter protein structure/function; Has not been previously published as pathogenic or benign to our knowledge